The following is an entry in ClinVar:

NM_001042750.2(STAG2):c.1024G>A (p.Glu342Lys)

Gene: STAG2 (STAG2 cohesin complex component; plus strand). Cytogenetic location: Xq25.
Variant type: single nucleotide variant.
Coding change: c.1024G>A on transcript NM_001042750.2 (MANE Select); coding-DNA position 1024, G replaced by A.
Protein change: p.Glu342Lys; replaces glutamic acid 342 with lysine.
Molecular consequence: missense variant.
Genome position (GRCh38, 1-based): chrX:124,051,127, G>A. VCF-style: chrX-124051127-G-A. GRCh37 (hg19) VCF-style: chrX-123184977-G-A.
Other names: c.1024G>A, p.Glu342Lys (NM_001042749.2, NM_001042751.2, NM_001282418.2 and 13 more transcripts); short protein forms E342K.
Identifiers: ClinVar variation 3381553 (VCV003381553.1).
Genomic context (GRCh38, chrX:124,051,127, plus strand): 5'-AAAATACATAGAGTTTTAATGCATTGTCTCATCTTTTTTTTTTTTTTTTTTTAGCAAGGT[G>A]AAGTAAGACTCAAATGTCTTACTGCTCTACAAGGGCTTTATTATAACAAAGAGCTTAATT-3'
Protein context (NP_001036215.1, residues 332-352): VGWTMHDKQG[Glu342Lys]VRLKCLTALQ

ClinVar aggregate classification (germline): Uncertain significance (1 of 4 stars; one submission).

Submission:

GeneDx
Classification: Uncertain significance. Last evaluated: 2024-05-20. Review status: criteria provided, single submitter. Criteria: GeneDx Variant Classification Process June 2021. Collection method: clinical testing. Allele origin: germline. Affected: yes.
Comment: Not observed at significant frequency in large population cohorts (gnomAD); Has not been previously published as pathogenic or benign to our knowledge; In silico analysis supports that this missense variant has a deleterious effect on protein structure/function